The following is an entry in ClinVar:

ClinVar aggregate classification (germline): Benign/Likely benign. Review status: criteria provided, multiple submitters, no conflicts (2 of 4 stars). 2 submissions from 2 submitters: Benign (1); Likely benign (1). Last evaluated 2026-05-21.

Conditions:
Neurofibromatosis, type 1 (NF1). Also called: VON RECKLINGHAUSEN DISEASE; NEUROFIBROMATOSIS, TYPE I, SOMATIC; Neurofibromatosis, type I; Peripheral type neurofibromatosis. Identifiers: Orphanet 636, MedGen C0027831, MONDO:0018975, OMIM 162200. Disease mechanism: loss of function.

Submissions (2):

Myriad Genetics, Inc.
Classification: Benign for Neurofibromatosis, type 1. Last evaluated: 2026-05-21. Review status: criteria provided, single submitter. Criteria: Myriad Autosomal Dominant, Autosomal Recessive and X-Linked Classification Criteria (2023). Collection method: clinical testing. Allele origin: unknown.
Comment: This variant is considered benign. This variant is a silent/synonymous amino acid change and it is not expected to impact splicing.

Labcorp Genetics (formerly Invitae), Labcorp
Classification: Likely benign for Neurofibromatosis, type 1. Last evaluated: 2024-02-27. Review status: criteria provided, single submitter. Criteria: Invitae Variant Classification Sherloc (09022015). Collection method: clinical testing. Allele origin: germline.

NM_001042492.3(NF1):c.6066C>T (p.Gly2022=)

Gene: NF1 (neurofibromin 1; plus strand). Cytogenetic location: 17q11.2.
Variant type: single nucleotide variant.
Coding change: c.6066C>T on transcript NM_001042492.3 (MANE Select); coding-DNA position 6066, C replaced by T.
Protein change: p.Gly2022=; no amino-acid change (glycine 2022 retained).
Molecular consequence: synonymous variant.
Genome position (GRCh38, 1-based): chr17:31,336,392, C>T. VCF-style: chr17-31336392-C-T. GRCh37 (hg19) VCF-style: chr17-29663410-C-T.
Other names: c.6003C>T, p.Gly2001= (NM_000267.4).
Identifiers: ClinVar variation 1632078 (VCV001632078.9), dbSNP rs2151553337, ClinGen allele CA499446456.
Genomic context (GRCh38, chr17:31,336,392, plus strand): 5'-GATTACAGATCTGCTTGATGTTGTACTAGACAGTTTCATCAAAACCAGTGCAACAGGTGG[C>T]TTGGGATCAATAAAAGCTGAGGTGATGGCAGATACTGCTGTAGCTTTGGCTTCTGGAAAT-3'
Protein context (NP_001035957.1, residues 2012-2032): DSFIKTSATG[Gly2022=]LGSIKAEVMA